The following is an entry in ClinVar:

ClinVar aggregate classification (germline): Benign/Likely benign. Review status: criteria provided, multiple submitters, no conflicts (2 of 4 stars). 5 submissions from 5 submitters: Benign (2); Likely benign (2). 1 of the submissions does not count toward it. Last evaluated 2026-02-04.

Conditions:
GPD1L-related disorder. Also called: GPD1L-related condition.
Brugada syndrome. Also called: Sudden Unexplained Death Syndrome; Sudden Unexplained Nocturnal Death Syndrome (SUNDS); Sudden unexplained nocturnal death syndrome; Sudden unexpected nocturnal death syndrome. Identifiers: Orphanet 130, MedGen C1142166, MONDO:0015263.
Brugada syndrome 2 (BRGDA2). Identifiers: Orphanet 130, MedGen C2673193, MONDO:0012728, OMIM 611777.

Allele frequency attached by ClinVar (database versions not stated): ESP Exome Variant Server 0.00054; gnomAD 0.00057; 1000 Genomes Project 30x 0.00016; 1000 Genomes Project 0.00020; TOPMed 0.00030.
gnomAD v4.1: 982 of 1,613,514 alleles (0.061%); highest among the groups gnomAD compares: Non-Finnish European, 0.073%; 1 homozygote.

Submissions (8):

Labcorp Genetics (formerly Invitae), Labcorp
Classification: Benign for Brugada syndrome. Last evaluated: 2026-02-04. Review status: criteria provided, single submitter. Criteria: Invitae Variant Classification Sherloc (09022015). Collection method: clinical testing. Allele origin: germline.

Women's Health and Genetics/Laboratory Corporation of America, LabCorp
Classification: Benign. Last evaluated: 2023-01-14. Review status: criteria provided, single submitter. Criteria: LabCorp Variant Classification Summary - May 2015. Collection method: clinical testing. Allele origin: germline.

Fulgent Genetics
Classification: Likely benign for Brugada syndrome 2. Last evaluated: 2021-09-01. Review status: criteria provided, single submitter. Criteria: ACMG Guidelines, 2015. Collection method: clinical testing. Allele origin: unknown.

GeneDx
Classification: Likely benign. Last evaluated: 2021-04-29. Review status: criteria provided, single submitter. Criteria: GeneDx Variant Classification Process June 2021. Collection method: clinical testing. Allele origin: germline. Affected: yes.

PreventionGenetics, part of Exact Sciences
Classification: Likely benign for GPD1L-related condition. Last evaluated: 2024-01-16. Review status: no assertion criteria provided. Collection method: clinical testing. Allele origin: germline. Not counted in ClinVar's aggregate classification.
Comment: This variant is classified as likely benign based on ACMG/AMP sequence variant interpretation guidelines (Richards et al. 2015 PMID: 25741868, with internal and published modifications).

Dr. Peter K. Rogan Lab, Western University
No classification provided (evidence only). Condition: Acute myeloid leukemia. Review status: no classification provided. Collection method: in vitro. Allele origin: not applicable. Functional consequence: retained intron. Not counted in ClinVar's aggregate classification.

Dr. Peter K. Rogan Lab, Western University
No classification provided (evidence only). Condition: Chronic lymphocytic leukemia/small lymphocytic lymphoma. Review status: no classification provided. Collection method: in vitro. Allele origin: not applicable. Functional consequence: skipped exon, retained intron. Not counted in ClinVar's aggregate classification.

Dr. Peter K. Rogan Lab, Western University
No classification provided (evidence only). Condition: Lymphoma. Review status: no classification provided. Collection method: in vitro. Allele origin: not applicable. Functional consequence: retained intron. Not counted in ClinVar's aggregate classification.

NM_015141.4(GPD1L):c.619-9C>G

Gene: GPD1L (glycerol-3-phosphate dehydrogenase 1 like; plus strand). Cytogenetic location: 3p22.3.
Variant type: single nucleotide variant.
Coding change: c.619-9C>G on transcript NM_015141.4 (MANE Select); 9 bases into the intron before coding-DNA position 619, C replaced by G.
Molecular consequence: intron variant.
Genome position (GRCh38, 1-based): chr3:32,158,867, C>G. VCF-style: chr3-32158867-C-G. GRCh37 (hg19) VCF-style: chr3-32200359-C-G.
Identifiers: ClinVar variation 416016 (VCV000416016.18), dbSNP rs2044880, ClinGen allele CA2296711.